The following is an entry in ClinVar:

ClinVar aggregate classification (germline): Uncertain significance. Review status: criteria provided, multiple submitters, no conflicts (2 of 4 stars). 2 submissions from 2 submitters: Uncertain significance (2). Last evaluated 2025-04-01.

Allele frequency attached by ClinVar (database versions not stated): ESP Exome Variant Server 0.00015.
gnomAD v4.1: 140 of 1,612,152 alleles (0.0087%); highest among the groups gnomAD compares: African/African-American, 0.024%; no homozygotes.

Submissions (2):

Ambry Genetics
Classification: Uncertain significance. Last evaluated: 2025-04-01. Review status: criteria provided, single submitter. Criteria: Ambry Variant Classification Scheme 2023. Collection method: clinical testing. Allele origin: germline.

Labcorp Genetics (formerly Invitae), Labcorp
Classification: Uncertain significance. Last evaluated: 2025-01-08. Review status: criteria provided, single submitter. Criteria: Invitae Variant Classification Sherloc (09022015). Collection method: clinical testing. Allele origin: germline.
Comment: This sequence change replaces arginine, which is basic and polar, with leucine, which is neutral and non-polar, at codon 109 of the RPL35 protein (p.Arg109Leu). This variant is present in population databases (rs28620639, gnomAD 0.02%). This variant has not been reported in the literature in individuals affected with RPL35-related conditions. ClinVar contains an entry for this variant (Variation ID: 2907632). An algorithm developed to predict the effect of missense changes on protein structure and function (PolyPhen-2) suggests that this variant is likely to be tolerated. In summary, the available evidence is currently insufficient to determine the role of this variant in disease. Therefore, it has been classified as a Variant of Uncertain Significance.

NM_007209.4(RPL35):c.326G>T (p.Arg109Leu)

Gene: RPL35 (ribosomal protein L35; minus strand). Cytogenetic location: 9q33.3.
Variant type: single nucleotide variant.
Coding change: c.326G>T on transcript NM_007209.4 (MANE Select); coding-DNA position 326, G replaced by T.
Protein change: p.Arg109Leu; replaces arginine 109 with leucine.
Molecular consequence: missense variant.
Genome position (GRCh38, 1-based): chr9:124,857,964, C>A on the plus strand (G>T on the coding strand, the complement: RPL35 is on the minus strand). VCF-style: chr9-124857964-C-A. GRCh37 (hg19) VCF-style: chr9-127620243-C-A.
Other names: c.326G>T (NM_007209.3); short protein forms R109L.
Identifiers: ClinVar variation 2907632 (VCV002907632.4), dbSNP rs28620639, ClinGen allele CA5237177.